The following is an entry in ClinVar:

NM_000558.5(HBA1):c.44G>A (p.Trp15Ter)

Genes: HBA1 (hemoglobin subunit alpha 1; plus strand), LOC106804613 (hemoglobin subunit alpha 1 recombination region; plus strand). Cytogenetic location: 16p13.3.
Variant type: single nucleotide variant.
Coding change: c.44G>A on transcript NM_000558.5 (MANE Select); coding-DNA position 44, G replaced by A.
Protein change: p.Trp15Ter; replaces tryptophan 15 with a stop codon.
Molecular consequence: nonsense.
Genome position (GRCh38, 1-based): chr16:176,760, G>A. VCF-style: chr16-176760-G-A. GRCh37 (hg19) VCF-style: chr16-226759-G-A.
Other names: c.44G>A (NM_000558.4); short protein forms W15*.
Identifiers: ClinVar variation 3075902 (VCV003075902.3), dbSNP rs63750090, ClinGen allele CA7770227.

ClinVar aggregate classification (germline): Pathogenic/Likely pathogenic. Review status: criteria provided, multiple submitters, no conflicts (2 of 4 stars). 3 submissions from 3 submitters: Pathogenic (2); Likely pathogenic (1). Last evaluated 2025-10-24.

Conditions:
Erythrocytosis, familial, 7. Also called: ERYTHROCYTOSIS, ALPHA-GLOBIN TYPE; POLYCYTHEMIA, ALPHA-GLOBIN TYPE; ERYTHROCYTOSIS 7. Identifiers: MedGen C4693823, MONDO:0054802, OMIM 617981.
Hemoglobin H disease (HBH). Also called: ALPHA-THALASSEMIA, HEMOGLOBIN H TYPE; HEMOGLOBIN H DISEASE, DELETIONAL; Hemoglobin H (HbH) Disease. Identifiers: Orphanet 93616, MedGen C3161174, MONDO:0013512, OMIM 613978. Disease mechanism: loss of function.
alpha Thalassemia. Also called: Alpha thalassemia spectrum. Identifiers: Orphanet 846, MedGen C0002312, MONDO:0011399, OMIM 604131.
Heinz body anemia. Also called: Heinz body hemolytic anemia. Identifiers: Orphanet 178330, MedGen C0700299, MONDO:0007705, OMIM 140700, HP:0005511.
Methemoglobinemia, alpha type. Identifiers: MedGen C4693798, MONDO:0020835, OMIM 617973.

Allele frequency attached by ClinVar (database versions not stated): ExAC 0.00005.

Submissions (3):

Natera, Inc.
Classification: Pathogenic for Alpha thalassemia. Last evaluated: 2025-10-24. Review status: criteria provided, single submitter. Criteria: Natera Variant Classification Schema (03/2026). Collection method: clinical testing. Allele origin: germline.
Comment: The c.44G>A variant in HBA1 is a nonsense variant predicted to introduce a stop codon at amino acid 15. This variant is expected to result in nonsense mediated decay, truncation, or a dysfunctional protein product. This variant is rare in the general population with a frequency below the threshold expected for the associated phenotype(s). This variant has been observed in one or more individuals affected with the associated recessive disease, as either homozygous or compound heterozygous with a second variant (PMID: 26878087, 31273613). Given the available evidence, this variant is classified as Pathogenic.

Fulgent Genetics
Classification: Likely pathogenic for Heinz body anemia; alpha Thalassemia; Hemoglobin H disease; Methemoglobinemia, alpha type; Erythrocytosis, familial, 7. Last evaluated: 2024-02-13. Review status: criteria provided, single submitter. Criteria: ACMG Guidelines, 2015. Collection method: clinical testing. Allele origin: germline.

Laboratory for Molecular Medicine, Mass General Brigham Personalized Medicine
Classification: Pathogenic for alpha Thalassemia. Last evaluated: 2022-11-03. Review status: criteria provided, single submitter. Criteria: ACMG Guidelines, 2015. Collection method: clinical testing. Allele origin: germline.
Comment: The p.Trp15X variant in HBA1 has been reported in at least 1 individual with microcytosis who also carried the -3.7 deletion (Chow 2013 PMID: 24018802, Harteveld 2003 PMID: 14508795). It has been reported in clinvar (Variation ID 811820) was absent from large population studies. This nonsense variant leads to a premature termination codon at position 15, which is predicted to lead to a truncated or absent protein. Loss of function of the HBA1 gene is an established disease mechanism in autosomal recessive Alpha Thalassaemia. In summary, this variant meets criteria to be classified as pathogenic for autosomal recessive alpha thalassemia. ACMG/AMP Criteria applied: PVS1, PM2_supporting, PM3.

Literature cited by the submitters: PubMed 26878087 (cited by Natera, Inc.); PubMed 31273613 (cited by Natera, Inc.).